The following is an entry in ClinVar:

NM_001124758.3(SPNS2):c.573+10G>A

Gene: SPNS2 (SPNS lysolipid transporter 2, sphingosine-1-phosphate; plus strand). Cytogenetic location: 17p13.2.
Variant type: single nucleotide variant.
Coding change: c.573+10G>A on transcript NM_001124758.3 (MANE Select); 10 bases into the intron after coding-DNA position 573, G replaced by A.
Molecular consequence: intron variant.
Genome position (GRCh38, 1-based): chr17:4,525,203, G>A. VCF-style: chr17-4525203-G-A. GRCh37 (hg19) VCF-style: chr17-4428498-G-A.
Identifiers: ClinVar variation 4982924 (VCV004982924.1).

ClinVar aggregate classification (germline): Likely benign (1 of 4 stars; one submission).

Conditions:
SPNS2-related disorder. Also called: SPNS2-related condition.

gnomAD v4.1: 16 of 1,613,380 alleles (0.00099%); highest among the groups gnomAD compares: Admixed American, 0.01%; no homozygotes.

Submission:

PreventionGenetics, part of Exact Sciences
Classification: Likely benign for SPNS2-related condition. Last evaluated: 2026-07-22. Review status: criteria provided, single submitter. Criteria: ACMG Guidelines, 2015. Collection method: clinical testing. Allele origin: germline.
Comment: This variant is classified as likely benign based on ACMG/AMP sequence variant interpretation guidelines (Richards et al. 2015 PMID: 25741868, with internal and published modifications).